The following is an entry in ClinVar:

ClinVar aggregate classification (germline): Uncertain significance (1 of 4 stars; one submission).

Submission:

GeneDx
Classification: Uncertain significance. Last evaluated: 2024-03-26. Review status: criteria provided, single submitter. Criteria: GeneDx Variant Classification Process June 2021. Collection method: clinical testing. Allele origin: germline. Affected: yes.
Comment: Not observed at significant frequency in large population cohorts (gnomAD); In silico analysis supports that this missense variant has a deleterious effect on protein structure/function; Has not been previously published as pathogenic or benign to our knowledge

NM_005257.6(GATA6):c.1586A>T (p.Asn529Ile)

Gene: GATA6 (GATA binding protein 6; plus strand). Cytogenetic location: 18q11.2.
Variant type: single nucleotide variant.
Coding change: c.1586A>T on transcript NM_005257.6 (MANE Select); coding-DNA position 1586, A replaced by T.
Protein change: p.Asn529Ile; replaces asparagine 529 with isoleucine.
Molecular consequence: missense variant.
Genome position (GRCh38, 1-based): chr18:22,183,009, A>T. VCF-style: chr18-22183009-A-T. GRCh37 (hg19) VCF-style: chr18-19762970-A-T.
Other names: short protein forms N529I.
Identifiers: ClinVar variation 3371395 (VCV003371395.1).